The following is an entry in ClinVar:

NM_014363.6(SACS):c.13601del (p.Ser4533_Leu4534insTer)

Gene: SACS (sacsin molecular chaperone; minus strand). Cytogenetic location: 13q12.12.
Variant type: Deletion.
Coding change: c.13601del on transcript NM_014363.6 (MANE Select); coding-DNA position 13601, one base deleted (T; older notation c.13601delT).
Protein change: p.Ser4533_Leu4534insTer.
Molecular consequence: nonsense.
Genome position (GRCh38, 1-based): chr13:23,330,275, A deleted on the plus strand (T on the coding strand, the reverse complement: SACS is on the minus strand); the first of 3 consecutive A bases (chr13:23,330,275-23,330,277); deleting any one gives the same sequence. VCF-style (leftmost placement, unchanged base first): chr13-23330274-TA-T. GRCh37 (hg19) VCF-style: chr13-23904413-TA-T.
Other names: c.13160del, p.Ser4386_Leu4387insTer (NM_001278055.2); c.13601delT (NM_014363.5).
Identifiers: ClinVar variation 2504052 (VCV002504052.1), dbSNP rs2542134910, ClinGen allele CA2580614615.

ClinVar aggregate classification (germline): Uncertain significance (1 of 4 stars; one submission).

Submission:

Women's Health and Genetics/Laboratory Corporation of America, LabCorp
Classification: Uncertain significance. Last evaluated: 2023-04-04. Review status: criteria provided, single submitter. Criteria: LabCorp Variant Classification Summary - May 2015. Collection method: clinical testing. Allele origin: germline.
Comment: Variant summary: SACS c.13601delT (p.Leu4534X) results in a premature termination codon that is not expected to result in nonsense mediated decay, and is predicted to cause a truncation of the encoded protein in the HEPN domain (IPR007842). A truncation downstream of this position has been classified as pathogenic by a ClinVar submitter without occurrences of the variant in affected individuals (c.13614C>A, p.Tyr4538Ter). The variant was absent in 251414 control chromosomes (gnomAD). To our knowledge, no occurrence of c.13601delT in individuals affected with Autosomal Recessive Spastic Ataxia Of Charlevoix-Saguenay and no experimental evidence demonstrating its impact on protein function have been reported. No submitters have provided clinical-significance assessments for this variant to ClinVar after 2014. Based on the evidence outlined above, the variant was classified as VUS-possibly pathogenic.